The following is an entry in ClinVar:

ClinVar aggregate classification (germline): Uncertain significance. Review status: criteria provided, multiple submitters, no conflicts (2 of 4 stars). 2 submissions from 2 submitters: Uncertain significance (2). Last evaluated 2024-03-06.

Conditions:
Hereditary nonpolyposis colorectal neoplasms. Identifiers: MedGen C0009405, MeSH D003123.
Hereditary cancer-predisposing syndrome. Also called: Hereditary neoplastic syndrome; Hereditary Cancer Syndrome; Neoplastic Syndromes, Hereditary; Tumor predisposition. Identifiers: Orphanet 140162, MedGen C0027672, MeSH D009386, MONDO:0015356.

Submissions (2):

Color Diagnostics, LLC DBA Color Health
Classification: Uncertain significance for Hereditary cancer-predisposing syndrome. Last evaluated: 2024-03-06. Review status: criteria provided, single submitter. Criteria: ACMG Guidelines, 2015. Collection method: clinical testing. Allele origin: germline.
Comment: This missense variant replaces histidine with leucine at codon 367 of the MSH6 protein. Computational prediction suggests that this variant may have deleterious impact on protein structure and function (internally defined REVEL score threshold >= 0.7, PMID: 27666373). To our knowledge, functional studies have not been reported for this variant. This variant has not been reported in individuals affected with hereditary cancer in the literature. This variant has not been identified in the general population by the Genome Aggregation Database (gnomAD). The available evidence is insufficient to determine the role of this variant in disease conclusively. Therefore, this variant is classified as a Variant of Uncertain Significance.

Labcorp Genetics (formerly Invitae), Labcorp
Classification: Uncertain significance for Hereditary nonpolyposis colorectal neoplasms. Last evaluated: 2022-11-10. Review status: criteria provided, single submitter. Criteria: Invitae Variant Classification Sherloc (09022015). Collection method: clinical testing. Allele origin: germline.
Comment: Algorithms developed to predict the effect of missense changes on protein structure and function (SIFT, PolyPhen-2, Align-GVGD) all suggest that this variant is likely to be disruptive. In summary, the available evidence is currently insufficient to determine the role of this variant in disease. Therefore, it has been classified as a Variant of Uncertain Significance. This variant has not been reported in the literature in individuals affected with MSH6-related conditions. This variant is not present in population databases (gnomAD no frequency). This sequence change replaces histidine, which is basic and polar, with leucine, which is neutral and non-polar, at codon 367 of the MSH6 protein (p.His367Leu).

NM_000179.3(MSH6):c.1100A>T (p.His367Leu)

Gene: MSH6 (mutS homolog 6; plus strand). Cytogenetic location: 2p16.3.
Variant type: single nucleotide variant.
Coding change: c.1100A>T on transcript NM_000179.3 (MANE Select); coding-DNA position 1100, A replaced by T.
Protein change: p.His367Leu; replaces histidine 367 with leucine.
Molecular consequence: missense variant. On other transcripts: non-coding transcript variant (4), intron variant (1).
Genome position (GRCh38, 1-based): chr2:47,799,083, A>T. VCF-style: chr2-47799083-A-T. GRCh37 (hg19) VCF-style: chr2-48026222-A-T.
Other names: c.710A>T, p.His237Leu (NM_001281492.2); c.194A>T, p.His65Leu (NM_001281493.2, NM_001281494.2, NM_001406811.1 and 6 more transcripts); c.1196A>T, p.His399Leu (NM_001406795.1, NM_001406802.1); c.1100A>T, p.His367Leu (NM_001406796.1, NM_001406798.1, NM_001406800.1 and 4 more transcripts); c.803A>T, p.His268Leu (NM_001406797.1, NM_001406801.1, NM_001406805.1 and 10 more transcripts); c.575A>T, p.His192Leu (NM_001406799.1, NM_001406806.1, NM_001406807.1); c.1022A>T, p.His341Leu (NM_001406804.1); c.1106A>T, p.His369Leu (NM_001406813.1); and 2 more; short protein forms H237L, H268L, H399L, H65L, H192L, H369L, H311L, H341L.
Identifiers: ClinVar variation 2773634 (VCV002773634.5), dbSNP rs1553412495, ClinGen allele CA346741911.